The following is an entry in ClinVar:

NM_138420.4(AHNAK2):c.5614T>A (p.Cys1872Ser)

Gene: AHNAK2 (AHNAK nucleoprotein 2; minus strand). Cytogenetic location: 14q32.33.
Variant type: single nucleotide variant.
Coding change: c.5614T>A on transcript NM_138420.4 (MANE Select); coding-DNA position 5614, T replaced by A.
Protein change: p.Cys1872Ser; replaces cysteine 1872 with serine.
Molecular consequence: missense variant.
Genome position (GRCh38, 1-based): chr14:104,949,837, A>T on the plus strand (T>A on the coding strand, the complement: AHNAK2 is on the minus strand). VCF-style: chr14-104949837-A-T. GRCh37 (hg19) VCF-style: chr14-105416174-A-T.
Other names: c.5314T>A, p.Cys1772Ser (NM_001350929.2); short protein forms C1772S, C1872S.
Identifiers: ClinVar variation 2644785 (VCV002644785.24), dbSNP rs181708085, ClinGen allele CA7381615.
Genomic context (GRCh38, chr14:104,949,837, plus strand): 5'-GGAGCTTCATGTCCACTTGGCCAGCCTGGACCACCAGGTCTGCAGAAGGGAGCGGAATGC[A>T]GAGGTCCGTGGTCTTGAGGTCCCCCTGCATGGAGGGGAGGCTCACTTCGGCCTCCACCTT-3'
Protein context (NP_612429.2, residues 1862-1882): MQGDLKTTDL[Cys1872Ser]IPLPSADLVV

ClinVar aggregate classification (germline): Benign (1 of 4 stars; one submission).

Allele frequency attached by ClinVar (database versions not stated): ESP Exome Variant Server 0.00729; gnomAD 0.00955; 1000 Genomes Project 30x 0.01015; 1000 Genomes Project 0.01378.
gnomAD v4.1: 14,176 of 1,580,174 alleles (0.9%); highest among the groups gnomAD compares: East Asian, 1%; 1,483 homozygotes.

Submission:

CeGaT Center for Human Genetics Tuebingen
Classification: Benign. Last evaluated: 2023-04-01. Review status: criteria provided, single submitter. Criteria: CeGaT Center For Human Genetics Tuebingen Variant Classification Criteria Version 2. Collection method: clinical testing. Allele origin: germline. Affected: yes. Observed: 2 variant alleles.
Comment: AHNAK2: BP4, BS1, BS2